The following is an entry in ClinVar:

ClinVar aggregate classification (germline): Uncertain significance. Review status: criteria provided, multiple submitters, no conflicts (2 of 4 stars). 2 submissions from 2 submitters: Uncertain significance (2). Last evaluated 2021-08-26.

Conditions:
Developmental and epileptic encephalopathy, 12 (DEE12). Identifiers: MedGen C3150988, MONDO:0013389, OMIM 613722.

Allele frequency attached by ClinVar (database versions not stated): gnomAD 0.00002 and 0.00014; TOPMed 0.00012.
gnomAD v4.1: 30 of 1,613,614 alleles (0.0019%); highest among the groups gnomAD compares: Admixed American, 0.0017%; no homozygotes.

Submissions (2):

Labcorp Genetics (formerly Invitae), Labcorp
Classification: Uncertain significance for Developmental and epileptic encephalopathy, 12. Last evaluated: 2021-08-26. Review status: criteria provided, single submitter. Criteria: Invitae Variant Classification Sherloc (09022015). Collection method: clinical testing. Allele origin: germline.
Comment: This sequence change replaces glycine with arginine at codon 36 of the PNKP protein (p.Gly36Arg). The glycine residue is moderately conserved and there is a moderate physicochemical difference between glycine and arginine. This variant is not present in population databases (ExAC no frequency). This variant has not been reported in the literature in individuals affected with PNKP-related conditions. Algorithms developed to predict the effect of missense changes on protein structure and function are either unavailable or do not agree on the potential impact of this missense change (SIFT: "Deleterious"; PolyPhen-2: "Probably Damaging"; Align-GVGD: "Class C0"). In summary, the available evidence is currently insufficient to determine the role of this variant in disease. Therefore, it has been classified as a Variant of Uncertain Significance.

GeneDx
Classification: Uncertain significance. Last evaluated: 2021-04-09. Review status: criteria provided, single submitter. Criteria: GeneDx Variant Classification Process June 2021. Collection method: clinical testing. Allele origin: germline. Affected: yes.
Comment: In silico analysis supports that this missense variant has a deleterious effect on protein structure/function; Has not been previously published as pathogenic or benign to our knowledge

NM_007254.4(PNKP):c.106G>A (p.Gly36Arg)

Gene: PNKP (polynucleotide kinase 3'-phosphatase; minus strand). Cytogenetic location: 19q13.33.
Variant type: single nucleotide variant.
Coding change: c.106G>A on transcript NM_007254.4 (MANE Select); coding-DNA position 106, G replaced by A.
Protein change: p.Gly36Arg; replaces glycine 36 with arginine.
Molecular consequence: missense variant.
Genome position (GRCh38, 1-based): chr19:49,867,099, C>T on the plus strand (G>A on the coding strand, the complement: PNKP is on the minus strand). VCF-style: chr19-49867099-C-T. GRCh37 (hg19) VCF-style: chr19-50370356-C-T.
Other names: short protein forms G36R.
Identifiers: ClinVar variation 654176 (VCV000654176.4), dbSNP rs949517384, ClinGen allele CA309502286.